The following is an entry in ClinVar:

ClinVar aggregate classification (germline): Uncertain significance. Review status: criteria provided, multiple submitters, no conflicts (2 of 4 stars). 2 submissions from 2 submitters: Uncertain significance (2). Last evaluated 2024-10-22.

Allele frequency attached by ClinVar (database versions not stated): gnomAD 0.00001; gnomAD exomes 0.00001; TOPMed 0.00001.
gnomAD v4.1: 12 of 1,612,172 alleles (0.00074%); highest among the groups gnomAD compares: Admixed American, 0.017%; 1 homozygote.

Submissions (2):

Labcorp Genetics (formerly Invitae), Labcorp
Classification: Uncertain significance. Last evaluated: 2024-10-22. Review status: criteria provided, single submitter. Criteria: Invitae Variant Classification Sherloc (09022015). Collection method: clinical testing. Allele origin: germline.
Comment: This sequence change replaces leucine, which is neutral and non-polar, with serine, which is neutral and polar, at codon 1045 of the HTT protein (p.Leu1045Ser). This variant is not present in population databases (gnomAD no frequency). This variant has not been reported in the literature in individuals affected with HTT-related conditions. ClinVar contains an entry for this variant (Variation ID: 1386993). Experimental studies and prediction algorithms are not available or were not evaluated, and the functional significance of this variant is currently unknown. In summary, the available evidence is currently insufficient to determine the role of this variant in disease. Therefore, it has been classified as a Variant of Uncertain Significance.

CeGaT Center for Human Genetics Tuebingen
Classification: Uncertain significance. Last evaluated: 2022-05-01. Review status: criteria provided, single submitter. Criteria: CeGaT Center For Human Genetics Tuebingen Variant Classification Criteria Version 2. Collection method: clinical testing. Allele origin: germline. Affected: yes. Observed: 1 variant allele.
Comment: HTT: PM2, BP4

NM_001388492.1(HTT):c.3128T>C (p.Leu1043Ser)

Gene: HTT (huntingtin; plus strand). Cytogenetic location: 4p16.3.
Variant type: single nucleotide variant.
Coding change: c.3128T>C on transcript NM_001388492.1 (MANE Select); coding-DNA position 3128, T replaced by C.
Protein change: p.Leu1043Ser; replaces leucine 1043 with serine.
Molecular consequence: missense variant.
Genome position (GRCh38, 1-based): chr4:3,145,213, T>C. VCF-style: chr4-3145213-T-C. GRCh37 (hg19) VCF-style: chr4-3146940-T-C.
Other names: c.3134T>C, p.Leu1045Ser (NM_002111.8); short protein forms L1043S, L1045S.
Identifiers: ClinVar variation 1386993 (VCV001386993.29), dbSNP rs945453962, ClinGen allele CA91446727.